The following is an entry in ClinVar:

NM_000059.4(BRCA2):c.7435+4T>C

Gene: BRCA2 (BRCA2 DNA repair associated; plus strand). Cytogenetic location: 13q13.1.
Variant type: single nucleotide variant.
Coding change: c.7435+4T>C on transcript NM_000059.4 (MANE Select); 4 bases into the intron after coding-DNA position 7435, T replaced by C.
Molecular consequence: intron variant.
Genome position (GRCh38, 1-based): chr13:32,355,292, T>C. VCF-style: chr13-32355292-T-C. GRCh37 (hg19) VCF-style: chr13-32929429-T-C.
Other names: c.7435+4T>C (NM_000059.3).
Identifiers: ClinVar variation 1524467 (VCV001524467.7), dbSNP rs1555286131, ClinGen allele CA2573149382.

ClinVar aggregate classification (germline): Uncertain significance. Review status: criteria provided, multiple submitters, no conflicts (2 of 4 stars). 3 submissions from 3 submitters: Uncertain significance (3). Last evaluated 2022-12-27.

Conditions:
Hereditary breast ovarian cancer syndrome. Also called: Breast and ovarian cancer; BRCA1- and BRCA2-Associated Hereditary Breast and Ovarian Cancer; Hereditary breast and ovarian cancer syndrome; Hereditary breast and ovarian cancer; Hereditary breast and ovarian cancer syndrome (HBOC); Hereditary breast and/or ovarian cancer syndrome. Identifiers: Orphanet 145, MedGen C0677776, MeSH D061325, MONDO:0003582. Disease mechanism: loss of function.
Hereditary cancer-predisposing syndrome. Also called: Neoplastic Syndromes, Hereditary; Hereditary Cancer Syndrome; Tumor predisposition; Hereditary neoplastic syndrome. Identifiers: Orphanet 140162, MedGen C0027672, MeSH D009386, MONDO:0015356.

Submissions (3):

Ambry Genetics
Classification: Uncertain significance for Hereditary cancer-predisposing syndrome. Last evaluated: 2022-12-27. Review status: criteria provided, single submitter. Criteria: Ambry Variant Classification Scheme 2023. Collection method: clinical testing. Allele origin: germline.
Comment: The c.7435+4T>C intronic variant results from a T to C substitution 4 nucleotides after coding exon 13 in the BRCA2 gene. This nucleotide position is well conserved in available vertebrate species. In silico splice site analysis predicts that this alteration will not have any significant effect on splicing. Since supporting evidence is limited at this time, the clinical significance of this alteration remains unclear.

Color Diagnostics, LLC DBA Color Health
Classification: Uncertain significance for Hereditary cancer-predisposing syndrome. Last evaluated: 2022-05-05. Review status: criteria provided, single submitter. Criteria: ACMG Guidelines, 2015. Collection method: clinical testing. Allele origin: germline.
Comment: This variant causes a T to C nucleotide substitution at the +4 position of intron 14 of the BRCA2 gene. Splice site prediction tools are inconclusive regarding the impact of this variant on RNA splicing. To our knowledge, functional studies have not been reported for this variant. This variant has not been reported in individuals affected with hereditary cancer in the literature. This variant has not been identified in the general population by the Genome Aggregation Database (gnomAD). The available evidence is insufficient to determine the role of this variant in disease conclusively. Therefore, this variant is classified as a Variant of Uncertain Significance.

Labcorp Genetics (formerly Invitae), Labcorp
Classification: Uncertain significance for Hereditary breast ovarian cancer syndrome. Last evaluated: 2021-11-23. Review status: criteria provided, single submitter. Criteria: Invitae Variant Classification Sherloc (09022015). Collection method: clinical testing. Allele origin: germline.
Comment: In summary, the available evidence is currently insufficient to determine the role of this variant in disease. Therefore, it has been classified as a Variant of Uncertain Significance. Variants that disrupt the consensus splice site are a relatively common cause of aberrant splicing (PMID: 17576681, 9536098). Algorithms developed to predict the effect of sequence changes on RNA splicing suggest that this variant is not likely to affect RNA splicing. This variant has not been reported in the literature in individuals affected with BRCA2-related conditions. This variant is not present in population databases (gnomAD no frequency). This sequence change falls in intron 14 of the BRCA2 gene. It does not directly change the encoded amino acid sequence of the BRCA2 protein. It affects a nucleotide within the consensus splice site.

Literature cited by the submitters: PubMed 17576681 (cited by Labcorp Genetics (formerly Invitae), Labcorp); PubMed 9536098 (cited by Labcorp Genetics (formerly Invitae), Labcorp).